The following is an entry in ClinVar:

NM_000088.4(COL1A1):c.2788C>G (p.Pro930Ala)

Gene: COL1A1 (collagen type I alpha 1 chain; minus strand). Cytogenetic location: 17q21.33.
Variant type: single nucleotide variant.
Coding change: c.2788C>G on transcript NM_000088.4 (MANE Select); coding-DNA position 2788, C replaced by G.
Protein change: p.Pro930Ala; replaces proline 930 with alanine.
Molecular consequence: missense variant.
Genome position (GRCh38, 1-based): chr17:50,189,418, G>C on the plus strand (C>G on the coding strand, the complement: COL1A1 is on the minus strand). VCF-style: chr17-50189418-G-C. GRCh37 (hg19) VCF-style: chr17-48266779-G-C.
Other names: short protein forms P930A.
Identifiers: ClinVar variation 4761089 (VCV004761089.1).

ClinVar aggregate classification (germline): Uncertain significance (1 of 4 stars; one submission).

Conditions:
Osteogenesis imperfecta type I (OI1). Also called: Osteogenesis imperfecta type 1; Lobstein's Disease; Lobstein disease; Classic Non-deforming Osteogenesis Imperfecta with Blue Sclerae; OI, TYPE I; OSTEOGENESIS IMPERFECTA TARDA. Identifiers: Orphanet 216796, Orphanet 666, MedGen C0023931, MONDO:0008146, OMIM 166200. Disease mechanism: loss of function.

Submission:

Labcorp Genetics (formerly Invitae), Labcorp
Classification: Uncertain significance for Osteogenesis imperfecta type I. Last evaluated: 2025-03-11. Review status: criteria provided, single submitter. Criteria: Invitae Variant Classification Sherloc (09022015). Collection method: clinical testing. Allele origin: germline.
Comment: This sequence change replaces proline, which is neutral and non-polar, with alanine, which is neutral and non-polar, at codon 930 of the COL1A1 protein (p.Pro930Ala). This variant is not present in population databases (gnomAD no frequency). This variant has not been reported in the literature in individuals affected with COL1A1-related conditions. Invitae Evidence Modeling of protein sequence and biophysical properties (such as structural, functional, and spatial information, amino acid conservation, physicochemical variation, residue mobility, and thermodynamic stability) indicates that this missense variant is not expected to disrupt COL1A1 protein function with a negative predictive value of 95%. In summary, the available evidence is currently insufficient to determine the role of this variant in disease. Therefore, it has been classified as a Variant of Uncertain Significance.